The following is an entry in ClinVar:

ClinVar aggregate classification (germline): Uncertain significance (1 of 4 stars; one submission).

Conditions:
Kabuki syndrome. Also called: Kabuki make-up syndrome; NIIKAWA-KUROKI SYNDROME. Identifiers: Orphanet 2322, MedGen C0796004, MONDO:0016512.

Submission:

Labcorp Genetics (formerly Invitae), Labcorp
Classification: Uncertain significance for Kabuki syndrome. Last evaluated: 2024-10-25. Review status: criteria provided, single submitter. Criteria: Invitae Variant Classification Sherloc (09022015). Collection method: clinical testing. Allele origin: germline.
Comment: This sequence change replaces serine, which is neutral and polar, with phenylalanine, which is neutral and non-polar, at codon 1873 of the KMT2D protein (p.Ser1873Phe). This variant is not present in population databases (gnomAD no frequency). This variant has not been reported in the literature in individuals affected with KMT2D-related conditions. ClinVar contains an entry for this variant (Variation ID: 1396839). Invitae Evidence Modeling of protein sequence and biophysical properties (such as structural, functional, and spatial information, amino acid conservation, physicochemical variation, residue mobility, and thermodynamic stability) indicates that this missense variant is not expected to disrupt KMT2D protein function with a negative predictive value of 95%. In summary, the available evidence is currently insufficient to determine the role of this variant in disease. Therefore, it has been classified as a Variant of Uncertain Significance.

NM_003482.4(KMT2D):c.5618C>T (p.Ser1873Phe)

Gene: KMT2D (lysine methyltransferase 2D; minus strand). Cytogenetic location: 12q13.12.
Variant type: single nucleotide variant.
Coding change: c.5618C>T on transcript NM_003482.4 (MANE Select); coding-DNA position 5618, C replaced by T.
Protein change: p.Ser1873Phe; replaces serine 1873 with phenylalanine.
Molecular consequence: missense variant.
Genome position (GRCh38, 1-based): chr12:49,043,102, G>A on the plus strand (C>T on the coding strand, the complement: KMT2D is on the minus strand). VCF-style: chr12-49043102-G-A. GRCh37 (hg19) VCF-style: chr12-49436885-G-A.
Other names: short protein forms S1873F.
Identifiers: ClinVar variation 1396839 (VCV001396839.8), dbSNP rs1296651659, ClinGen allele CA384629745.